The following is an entry in ClinVar:

NM_004586.3(RPS6KA3):c.341G>A (p.Arg114Gln)

Gene: RPS6KA3 (ribosomal protein S6 kinase A3; minus strand). Cytogenetic location: Xp22.12.
Variant type: single nucleotide variant.
Coding change: c.341G>A on transcript NM_004586.3 (MANE Select); coding-DNA position 341, G replaced by A.
Protein change: p.Arg114Gln; replaces arginine 114 with glutamine.
Molecular consequence: missense variant.
Genome position (GRCh38, 1-based): chrX:20,195,130, C>T on the plus strand (G>A on the coding strand, the complement: RPS6KA3 is on the minus strand). VCF-style: chrX-20195130-C-T. GRCh37 (hg19) VCF-style: chrX-20213248-C-T.
Other names: c.341G>A (NM_004586.2); short protein forms R114Q.
Identifiers: ClinVar variation 2104744 (VCV002104744.5), dbSNP rs2519763145, ClinGen allele CA412511041.

ClinVar aggregate classification (germline): Uncertain significance. Review status: criteria provided, multiple submitters, no conflicts (2 of 4 stars). 2 submissions from 2 submitters: Uncertain significance (2). Last evaluated 2023-04-18.

Conditions:
Coffin-Lowry syndrome (CLS). Also called: COFFIN-LOWRY SYNDROME, MILD; Mental retardation with osteocartilaginous abnormalities. Identifiers: Orphanet 192, MedGen C0265252, MONDO:0010561, OMIM 303600.
Intellectual developmental disorder, X-linked 19. Also called: Intellectual disability, X-linked 19. Identifiers: Orphanet 777, MedGen C0796225, MONDO:0010447, OMIM 300844.

Submissions (2):

University of Washington Department of Laboratory Medicine, University of Washington
Classification: Uncertain significance for Coffin-Lowry syndrome. Last evaluated: 2023-04-18. Review status: criteria provided, single submitter. Criteria: ACMG Guidelines, 2015. Collection method: clinical testing. Allele origin: maternal. Affected: yes.
Comment: The p.Arg114Gln variant in the RPS6KA3 gene has not been previously reported in association with disease. This variant has been submitted to ClinVar (Variation ID: 2104744) and was absent from large population databases, including the Genome Aggregation Database. The p.Arg114Gln variant is located in the catalytic domain of the RPS6KA3 serine/threonine kinase. Other pathogenic and likely pathogenic variants have been described in this domain and disrupt the function of RPS6KA3. Additionally, a different amino acid change at this residue (p.Arg114Trp) has been previously reported in two unrelated individuals with Coffin-Lowry syndrome (Abidi 1999), suggesting that this residue is sensitive to genetic variation. Using ACMG guidelines, this variant was classified as a variant of uncertain significance (ACMG evidence codes used: PM1, PM2_supporting, PM5).

Labcorp Genetics (formerly Invitae), Labcorp
Classification: Uncertain significance for Coffin-Lowry syndrome; Intellectual developmental disorder, X-linked 19. Last evaluated: 2022-02-28. Review status: criteria provided, single submitter. Criteria: Invitae Variant Classification Sherloc (09022015). Collection method: clinical testing. Allele origin: germline.
Comment: In summary, the available evidence is currently insufficient to determine the role of this variant in disease. Therefore, it has been classified as a Variant of Uncertain Significance. Advanced modeling of protein sequence and biophysical properties (such as structural, functional, and spatial information, amino acid conservation, physicochemical variation, residue mobility, and thermodynamic stability) performed at Invitae indicates that this missense variant is expected to disrupt RPS6KA3 protein function. This variant has not been reported in the literature in individuals affected with RPS6KA3-related conditions. This variant is not present in population databases (gnomAD no frequency). This sequence change replaces arginine, which is basic and polar, with glutamine, which is neutral and polar, at codon 114 of the RPS6KA3 protein (p.Arg114Gln).